The following is an entry in ClinVar:

ClinVar aggregate classification (germline): Uncertain significance. Review status: criteria provided, multiple submitters, no conflicts (2 of 4 stars). 2 submissions from 2 submitters: Uncertain significance (2). Last evaluated 2019-09-13.

Conditions:
Mitochondrial complex I deficiency, nuclear type 8. Also called: Mitochondrial complex 1 deficiency, nuclear type 8. Identifiers: MedGen C4748766, MONDO:0032613, OMIM 618230.

Allele frequency attached by ClinVar (database versions not stated): gnomAD 0.00002 and 0.00003; ExAC 0.00003; TOPMed 0.00007; ESP Exome Variant Server 0.00015.
gnomAD v4.1: 22 of 1,613,834 alleles (0.0014%); highest among the groups gnomAD compares: Admixed American, 0.0033%; no homozygotes.

Submissions (2):

GeneDx
Classification: Uncertain significance. Last evaluated: 2019-09-13. Review status: criteria provided, single submitter. Criteria: GeneDx Variant Classification Process June 2021. Collection method: clinical testing. Allele origin: germline. Affected: yes.
Comment: Not observed at a significant frequency in large population cohorts (Lek et al., 2016); In silico analysis, which includes protein predictors and evolutionary conservation, supports a deleterious effect; Observed with another NDUFS3 variant on the opposite allele (in trans) in a patient in published literature with early-onset Leigh syndrome (Lou et al., 2018); This variant is associated with the following publications: (PMID: 30140060)

SIB Swiss Institute of Bioinformatics
Classification: Uncertain significance for Mitochondrial complex I deficiency, nuclear type 8. Last evaluated: 2019-01-23. Review status: criteria provided, single submitter. Criteria: ACMG Guidelines, 2015. Collection method: curation. Allele origin: unknown.
Comment: This variant is interpreted as a Uncertain significance for Mitochondrial complex I deficiency, nuclear type 8, autosomal recessive. The following ACMG Tag(s) were applied: PM2 : Absent from controls (or at extremely low frequency if recessive) in Exome Sequencing Project, 1000 Genomes Project, or Exome Aggregation Consortium. PM3 : For recessive disorders, detected in trans with a pathogenic variant (PMID:30140060).

Literature cited by the submitters: PubMed 30140060 (cited by SIB Swiss Institute of Bioinformatics).

NM_004551.3(NDUFS3):c.418C>T (p.Arg140Trp)

Gene: NDUFS3 (NADH:ubiquinone oxidoreductase core subunit S3; plus strand). Cytogenetic location: 11p11.2.
Variant type: single nucleotide variant.
Coding change: c.418C>T on transcript NM_004551.3 (MANE Select); coding-DNA position 418, C replaced by T.
Protein change: p.Arg140Trp; replaces arginine 140 with tryptophan.
Molecular consequence: missense variant.
Genome position (GRCh38, 1-based): chr11:47,582,124, C>T. VCF-style: chr11-47582124-C-T. GRCh37 (hg19) VCF-style: chr11-47603676-C-T.
Other names: short protein forms R140W.
Identifiers: ClinVar variation 638291 (VCV000638291.3), dbSNP rs142248674, ClinGen allele CA5977984.